The following is an entry in ClinVar:

NM_016138.5(COQ7):c.14G>T (p.Gly5Val)

Genes: COQ7 (coenzyme Q7, hydroxylase; plus strand), COQ7-DT (COQ7 divergent transcript; minus strand), LOC130058587 (ATAC-STARR-seq lymphoblastoid silent region 7240; plus strand). Cytogenetic location: 16p12.3.
Variant type: single nucleotide variant.
Coding change: c.14G>T on transcript NM_016138.5 (MANE Select); coding-DNA position 14, G replaced by T.
Protein change: p.Gly5Val; replaces glycine 5 with valine.
Molecular consequence: missense variant. On other transcripts: non-coding transcript variant (5).
Genome position (GRCh38, 1-based): chr16:19,067,678, G>T. VCF-style: chr16-19067678-G-T. GRCh37 (hg19) VCF-style: chr16-19079000-G-T.
Other names: c.14G>T, p.Gly5Val (NM_001370490.1); short protein forms G5V.
Identifiers: ClinVar variation 1900547 (VCV001900547.5), dbSNP rs773519725, ClinGen allele CA394916972.

ClinVar aggregate classification (germline): Uncertain significance (1 of 4 stars; one submission).

Submission:

Labcorp Genetics (formerly Invitae), Labcorp
Classification: Uncertain significance. Last evaluated: 2022-03-28. Review status: criteria provided, single submitter. Criteria: Invitae Variant Classification Sherloc (09022015). Collection method: clinical testing. Allele origin: germline.
Comment: This variant is not present in population databases (gnomAD no frequency). This sequence change replaces glycine, which is neutral and non-polar, with valine, which is neutral and non-polar, at codon 5 of the COQ7 protein (p.Gly5Val). This variant has not been reported in the literature in individuals affected with COQ7-related conditions. In summary, the available evidence is currently insufficient to determine the role of this variant in disease. Therefore, it has been classified as a Variant of Uncertain Significance. Algorithms developed to predict the effect of missense changes on protein structure and function (SIFT, PolyPhen-2, Align-GVGD) all suggest that this variant is likely to be tolerated.